The following is an entry in ClinVar:

NM_012470.4(TNPO3):c.2062-4A>G

Gene: TNPO3 (transportin 3; minus strand). Cytogenetic location: 7q32.1.
Variant type: single nucleotide variant.
Coding change: c.2062-4A>G on transcript NM_012470.4 (MANE Select); 4 bases into the intron before coding-DNA position 2062, A replaced by G.
Molecular consequence: intron variant.
Genome position (GRCh38, 1-based): chr7:128,975,939, T>C on the plus strand (A>G on the coding strand, the complement: TNPO3 is on the minus strand). VCF-style: chr7-128975939-T-C. GRCh37 (hg19) VCF-style: chr7-128615993-T-C.
Other names: c.1918-4A>G (NM_001382221.1); c.1915-4A>G (NM_001382222.1); c.1954-4A>G (NM_001382219.1); c.1870-4A>G (NM_001382223.1, NM_001191028.3); c.1921-4A>G (NM_001382220.1); c.2062-4A>G (NM_001382218.1); c.2164-4A>G (NM_001382216.1); c.2143-4A>G (NM_001382217.1).
Identifiers: ClinVar variation 3663371 (VCV003663371.2).
Genomic context (GRCh38, chr7:128,975,939, plus strand): 5'-GATACTGCCAAGGTACAGGAAGCAGGAATGCTGATGTACGTGGTACACATTCACCATCTG[T>C]TGAGGGAAAAAACAATTAGTTCAATGCTTCGTCCTTCAAAAAGTACCAACTTACGAAGCT-3'

ClinVar aggregate classification (germline): Uncertain significance (1 of 4 stars; one submission).

Conditions:
Autosomal dominant limb-girdle muscular dystrophy type 1F (LGMDD2). Also called: Limb-girdle muscular dystrophy, type 1F; MUSCULAR DYSTROPHY, LIMB-GIRDLE, AUTOSOMAL DOMINANT 2. Identifiers: Orphanet 55595, MedGen C1842062, MONDO:0012034, OMIM 608423.

gnomAD v4.1: 19 of 1,601,120 alleles (0.0012%); highest among the groups gnomAD compares: Non-Finnish European, 0.0016%; no homozygotes.

Submission:

Labcorp Genetics (formerly Invitae), Labcorp
Classification: Uncertain significance for Autosomal dominant limb-girdle muscular dystrophy type 1F. Last evaluated: 2024-06-21. Review status: criteria provided, single submitter. Criteria: Invitae Variant Classification Sherloc (09022015). Collection method: clinical testing. Allele origin: germline.
Comment: This sequence change falls in intron 16 of the TNPO3 gene. It does not directly change the encoded amino acid sequence of the TNPO3 protein. The frequency data for this variant in the population databases is considered unreliable, as metrics indicate poor data quality at this position in the gnomAD database. This variant has not been reported in the literature in individuals affected with TNPO3-related conditions. Algorithms developed to predict the effect of sequence changes on RNA splicing suggest that this variant may create or strengthen a splice site. In summary, the available evidence is currently insufficient to determine the role of this variant in disease. Therefore, it has been classified as a Variant of Uncertain Significance.